The following is an entry in ClinVar:

ClinVar aggregate classification (germline): Uncertain significance. Review status: criteria provided, multiple submitters, no conflicts (2 of 4 stars). 2 submissions from 2 submitters: Uncertain significance (2). Last evaluated 2025-04-22.

Allele frequency attached by ClinVar (database versions not stated): gnomAD exomes below 0.00001 and 0.00001; gnomAD 0.00001; TOPMed 0.00001.
gnomAD v4.1: 17 of 1,613,630 alleles (0.0011%); highest among the groups gnomAD compares: Non-Finnish European, 0.0014%; no homozygotes.

Submissions (2):

Labcorp Genetics (formerly Invitae), Labcorp
Classification: Uncertain significance. Last evaluated: 2025-04-22. Review status: criteria provided, single submitter. Criteria: Invitae Variant Classification Sherloc (09022015). Collection method: clinical testing. Allele origin: germline.
Comment: This sequence change replaces alanine, which is neutral and non-polar, with glycine, which is neutral and non-polar, at codon 2 of the CTNNB1 protein (p.Ala2Gly). This variant is present in population databases (no rsID available, gnomAD 0.0009%). This variant has not been reported in the literature in individuals affected with CTNNB1-related conditions. ClinVar contains an entry for this variant (Variation ID: 1362552). An algorithm developed to predict the effect of missense changes on protein structure and function (PolyPhen-2) suggests that this variant is likely to be tolerated. In summary, the available evidence is currently insufficient to determine the role of this variant in disease. Therefore, it has been classified as a Variant of Uncertain Significance.

CeGaT Center for Human Genetics Tuebingen
Classification: Uncertain significance. Last evaluated: 2024-07-01. Review status: criteria provided, single submitter. Criteria: CeGaT Center For Human Genetics Tuebingen Variant Classification Criteria Version 2. Collection method: clinical testing. Allele origin: germline. Affected: yes. Observed: 1 variant allele.
Comment: CTNNB1: PP2

NM_001904.4(CTNNB1):c.5C>G (p.Ala2Gly)

Gene: CTNNB1 (catenin beta 1; plus strand). Cytogenetic location: 3p22.1.
Variant type: single nucleotide variant.
Coding change: c.5C>G on transcript NM_001904.4 (MANE Select); coding-DNA position 5, C replaced by G.
Protein change: p.Ala2Gly; replaces alanine 2 with glycine.
Molecular consequence: missense variant. On other transcripts: 5 prime UTR variant (1).
Genome position (GRCh38, 1-based): chr3:41,224,073, C>G. VCF-style: chr3-41224073-C-G. GRCh37 (hg19) VCF-style: chr3-41265564-C-G.
Other names: c.5C>G, p.Ala2Gly (NM_001098209.2, NM_001098210.2); c.-149C>G (NM_001330729.2); short protein forms A2G.
Identifiers: ClinVar variation 1362552 (VCV001362552.23), dbSNP rs1310497035, ClinGen allele CA352227918.
Genomic context (GRCh38, chr3:41,224,073, plus strand): 5'-TTTTTTAGGGTATTTGAAGTATACCATACAACTGTTTTGAAAATCCAGCGTGGACAATGG[C>G]TACTCAAGGTTTGTGTCATTAAATCTTTAGTTACTGAATTGGGGCTCTGCTTCGTTGCCA-3'
Protein context (NP_001895.1, residues 1-12): M[Ala2Gly]TQADLMELDM